The following is an entry in ClinVar:

NM_001005373.4(LRSAM1):c.1642T>A (p.Trp548Arg)

Gene: LRSAM1 (leucine rich repeat and sterile alpha motif containing 1; plus strand). Cytogenetic location: 9q33.3.
Variant type: single nucleotide variant.
Coding change: c.1642T>A on transcript NM_001005373.4 (MANE Select); coding-DNA position 1642, T replaced by A.
Protein change: p.Trp548Arg; replaces tryptophan 548 with arginine.
Molecular consequence: missense variant. On other transcripts: non-coding transcript variant (2), intron variant (1).
Genome position (GRCh38, 1-based): chr9:127,495,362, T>A. VCF-style: chr9-127495362-T-A. GRCh37 (hg19) VCF-style: chr9-130257641-T-A.
Other names: c.1642T>A, p.Trp548Arg (NM_001005374.4, NM_001384142.1, NM_138361.5); c.1561T>A, p.Trp521Arg (NM_001190723.3); c.853T>A, p.Trp285Arg (NM_001384144.1); c.1600-602T>A (NM_001384143.1); short protein forms W285R, W521R, W548R.
Identifiers: ClinVar variation 2420943 (VCV002420943.6), dbSNP rs1156435895, ClinGen allele CA374935238.

ClinVar aggregate classification (germline): Uncertain significance (1 of 4 stars; one submission).

Conditions:
Charcot-Marie-Tooth disease axonal type 2P. Also called: Charcot-Marie-Tooth Neuropathy Type 2G; CHARCOT-MARIE-TOOTH DISEASE, AXONAL, TYPE 2G; CMT 2G; CHARCOT-MARIE-TOOTH NEUROPATHY, TYPE 2P. Identifiers: Orphanet 300319, Orphanet 99941, MedGen C3280797, MONDO:0013753, OMIM 614436.

Allele frequency attached by ClinVar (database versions not stated): gnomAD exomes below 0.00001; TOPMed 0.00001.
gnomAD v4.1: 4 of 1,614,104 alleles (0.00025%); highest among the groups gnomAD compares: Non-Finnish European, 0.00034%; no homozygotes.

Submission:

Labcorp Genetics (formerly Invitae), Labcorp
Classification: Uncertain significance for Charcot-Marie-Tooth disease axonal type 2P. Last evaluated: 2022-06-24. Review status: criteria provided, single submitter. Criteria: Invitae Variant Classification Sherloc (09022015). Collection method: clinical testing. Allele origin: germline.
Comment: In summary, the available evidence is currently insufficient to determine the role of this variant in disease. Therefore, it has been classified as a Variant of Uncertain Significance. Algorithms developed to predict the effect of missense changes on protein structure and function (SIFT, PolyPhen-2, Align-GVGD) all suggest that this variant is likely to be disruptive. This variant has not been reported in the literature in individuals affected with LRSAM1-related conditions. This variant is not present in population databases (gnomAD no frequency). This sequence change replaces tryptophan, which is neutral and slightly polar, with arginine, which is basic and polar, at codon 548 of the LRSAM1 protein (p.Trp548Arg).